The following is an entry in ClinVar:

NM_013391.3(DMGDH):c.1815-13G>T

Gene: DMGDH (dimethylglycine dehydrogenase; minus strand). Cytogenetic location: 5q14.1.
Variant type: single nucleotide variant.
Coding change: c.1815-13G>T on transcript NM_013391.3 (MANE Select); 13 bases into the intron before coding-DNA position 1815, G replaced by T.
Molecular consequence: intron variant.
Genome position (GRCh38, 1-based): chr5:79,028,663, C>A on the plus strand (G>T on the coding strand, the complement: DMGDH is on the minus strand). VCF-style: chr5-79028663-C-A. GRCh37 (hg19) VCF-style: chr5-78324486-C-A.
Identifiers: ClinVar variation 682526 (VCV000682526.1), dbSNP rs1580198732, ClinGen allele CA915943414.

ClinVar aggregate classification (germline): Likely benign (1 of 4 stars; one submission).

Allele frequency attached by ClinVar (database versions not stated): gnomAD 0.00001.

Submission:

GeneDx
Classification: Likely benign. Last evaluated: 2018-05-18. Review status: criteria provided, single submitter. Criteria: GeneDx Variant Classification (06012015). Collection method: clinical testing. Allele origin: germline. Affected: yes.
Comment: This variant is considered likely benign or benign based on one or more of the following criteria: it is a conservative change, it occurs at a poorly conserved position in the protein, it is predicted to be benign by multiple in silico algorithms, and/or has population frequency not consistent with disease.